The following is an entry in ClinVar:

NM_198252.3(GSN):c.1762+2T>A

Gene: GSN (gelsolin; plus strand). Cytogenetic location: 9q33.2.
Variant type: single nucleotide variant.
Coding change: c.1762+2T>A on transcript NM_198252.3 (MANE Select); the canonical splice donor site of the intron after coding-DNA position 1762, T replaced by A.
Molecular consequence: splice donor variant.
Genome position (GRCh38, 1-based): chr9:121,327,484, T>A. VCF-style: chr9-121327484-T-A. GRCh37 (hg19) VCF-style: chr9-124089762-T-A.
Other names: c.1762+2T>A (NM_001353054.1, NM_001353053.1, NM_001353060.2 and 10 more transcripts); c.1795+2T>A (NM_001353064.2, NM_001353066.2, NM_001353073.2 and 13 more transcripts); c.1870+2T>A (NM_001127663.2); c.1834+2T>A (NM_001353076.2); c.1108+2T>A (NM_001353078.2); c.1813+2T>A (NM_001258029.2); c.1786+2T>A (NM_001258030.2); c.1915+2T>A (NM_000177.5).
Identifiers: ClinVar variation 2801560 (VCV002801560.3), dbSNP rs1432236473, ClinGen allele CA374756206.

ClinVar aggregate classification (germline): Uncertain significance (1 of 4 stars; one submission).

Submission:

Labcorp Genetics (formerly Invitae), Labcorp
Classification: Uncertain significance. Last evaluated: 2023-10-09. Review status: criteria provided, single submitter. Criteria: Invitae Variant Classification Sherloc (09022015). Collection method: clinical testing. Allele origin: germline.
Comment: This sequence change affects a donor splice site in intron 13 of the GSN gene. It is expected to disrupt RNA splicing. Variants that disrupt the donor or acceptor splice site typically lead to a loss of protein function (PMID: 16199547), however the current clinical and genetic evidence is not sufficient to establish whether loss-of-function variants in GSN cause disease. This variant is not present in population databases (gnomAD no frequency). This variant has not been reported in the literature in individuals affected with GSN-related conditions. Algorithms developed to predict the effect of sequence changes on RNA splicing suggest that this variant may disrupt the consensus splice site. In summary, the available evidence is currently insufficient to determine the role of this variant in disease. Therefore, it has been classified as a Variant of Uncertain Significance.

Literature cited by the submitters: PubMed 16199547.